The following is an entry in ClinVar:

ClinVar aggregate classification (germline): Benign/Likely benign. Review status: criteria provided, multiple submitters, no conflicts (2 of 4 stars). 4 submissions from 4 submitters: Benign (1); Likely benign (3). Last evaluated 2026-06-16.

Conditions:
Hereditary cancer-predisposing syndrome. Also called: Hereditary neoplastic syndrome; Neoplastic Syndromes, Hereditary; Hereditary Cancer Syndrome; Tumor predisposition. Identifiers: Orphanet 140162, MedGen C0027672, MeSH D009386, MONDO:0015356.
PDGFRA-related disorder. Also called: PDGFRA-related condition.
Polyps, multiple and recurrent inflammatory fibroid, gastrointestinal. Identifiers: MedGen C5193005, MONDO:0008285, OMIM 175510.
Gastrointestinal stromal tumor. Also called: Gastrointestinal stromal tumor, somatic; Gastrointestinal stroma tumor. Identifiers: Orphanet 44890, MedGen C0238198, MeSH D046152, MONDO:0011719, OMIM 606764, HP:0100723.

Allele frequency attached by ClinVar (database versions not stated): gnomAD exomes below 0.00001 and 0.00001; ExAC 0.00001; TOPMed 0.00001.
gnomAD v4.1: 8 of 1,613,922 alleles (0.0005%); highest among the groups gnomAD compares: East Asian, 0.0089%; no homozygotes.

Submissions (4):

Myriad Genetics, Inc.
Classification: Benign for Polyps, multiple and recurrent inflammatory fibroid, gastrointestinal. Last evaluated: 2026-06-16. Review status: criteria provided, single submitter. Criteria: Myriad Autosomal Dominant, Autosomal Recessive and X-Linked Classification Criteria (2023). Collection method: clinical testing. Allele origin: unknown.
Comment: This variant is considered benign. This variant is a silent/synonymous amino acid change and it is not expected to impact splicing.

Labcorp Genetics (formerly Invitae), Labcorp
Classification: Likely benign for Gastrointestinal stromal tumor. Last evaluated: 2025-09-27. Review status: criteria provided, single submitter. Criteria: Invitae Variant Classification Sherloc (09022015). Collection method: clinical testing. Allele origin: germline.

PreventionGenetics, part of Exact Sciences
Classification: Likely benign for PDGFRA-related condition. Last evaluated: 2025-08-01. Review status: criteria provided, single submitter. Criteria: ACMG Guidelines, 2015. Collection method: clinical testing. Allele origin: germline.
Comment: This variant is classified as likely benign based on ACMG/AMP sequence variant interpretation guidelines (Richards et al. 2015 PMID: 25741868, with internal and published modifications).

Ambry Genetics
Classification: Likely benign for Hereditary cancer-predisposing syndrome. Last evaluated: 2022-03-12. Review status: criteria provided, single submitter. Criteria: Ambry Variant Classification Scheme 2023. Collection method: clinical testing. Allele origin: germline.

NM_006206.6(PDGFRA):c.576C>T (p.Thr192=)

Gene: PDGFRA (platelet derived growth factor receptor alpha; plus strand). Cytogenetic location: 4q12.
Variant type: single nucleotide variant.
Coding change: c.576C>T on transcript NM_006206.6 (MANE Select); coding-DNA position 576, C replaced by T.
Protein change: p.Thr192=; no amino-acid change (threonine 192 retained).
Molecular consequence: synonymous variant.
Genome position (GRCh38, 1-based): chr4:54,263,875, C>T. VCF-style: chr4-54263875-C-T. GRCh37 (hg19) VCF-style: chr4-55130042-C-T.
Other names: c.576C>T, p.Thr192= (NM_001347827.2, NM_001347829.2); c.651C>T, p.Thr217= (NM_001347828.2); c.615C>T, p.Thr205= (NM_001347830.2); c.576C>T (NM_006206.5).
Identifiers: ClinVar variation 746196 (VCV000746196.15), dbSNP rs768819983, ClinGen allele CA2922313.